The following is an entry in ClinVar:

NM_019594.4(LRRC8A):c.2030dup (p.Thr679fs)

Gene: LRRC8A (leucine rich repeat containing 8 VRAC subunit A; plus strand). Cytogenetic location: 9q34.11.
Variant type: Duplication.
Coding change: c.2030dup on transcript NM_019594.4 (MANE Select); coding-DNA position 2030, one base duplicated (T; older notation c.2030dupT).
Protein change: p.Thr679fs; shifts the reading frame from threonine 679.
Molecular consequence: frameshift variant.
Genome position (GRCh38, 1-based): chr9:128,909,194, T duplicated. VCF-style (leftmost placement, unchanged base first): chr9-128909193-A-AT. GRCh37 (hg19) VCF-style: chr9-131671472-A-AT.
Other names: c.2030dup, p.Thr679fs (NM_001127244.2, NM_001127245.2); short protein forms T679fs.
Identifiers: ClinVar variation 1373693 (VCV001373693.6), dbSNP rs2131026809, ClinGen allele CA2573143931.
Genomic context (GRCh38, chr9:128,909,193, plus strand): 5'-CAGATCGGCAACCTCACCAACCTGGAGCGCCTCTACCTGAACCGCAACAAGATCGAGAAG[A>AT]TCCCCACCCAGCTCTTCTACTGCCGCAAGCTGCGCTACCTGGACCTCAGCCACAACAACC-3'

ClinVar aggregate classification (germline): Uncertain significance (1 of 4 stars; one submission).

Submission:

Labcorp Genetics (formerly Invitae), Labcorp
Classification: Uncertain significance. Last evaluated: 2021-08-09. Review status: criteria provided, single submitter. Criteria: Invitae Variant Classification Sherloc (09022015). Collection method: clinical testing. Allele origin: germline.
Comment: This variant has not been reported in the literature in individuals affected with LRRC8A-related conditions. This sequence change creates a premature translational stop signal (p.Thr679Hisfs*128) in the LRRC8A gene. While this is not anticipated to result in nonsense mediated decay, it is expected to disrupt the last 132 amino acid(s) of the LRRC8A protein. This variant is not present in population databases (ExAC no frequency). In summary, the available evidence is currently insufficient to determine the role of this variant in disease. Therefore, it has been classified as a Variant of Uncertain Significance.